The following is an entry in ClinVar:

NM_014846.4(WASHC5):c.2566A>G (p.Thr856Ala)

Genes: WASHC5 (WASH complex subunit 5; minus strand), WASHC5-AS1 (WASHC5 antisense RNA 1; plus strand). Cytogenetic location: 8q24.13.
Variant type: single nucleotide variant.
Coding change: c.2566A>G on transcript NM_014846.4 (MANE Select); coding-DNA position 2566, A replaced by G.
Protein change: p.Thr856Ala; replaces threonine 856 with alanine.
Molecular consequence: missense variant. On other transcripts: non-coding transcript variant (1).
Genome position (GRCh38, 1-based): chr8:125,044,637, T>C on the plus strand (A>G on the coding strand, the complement: WASHC5 is on the minus strand). VCF-style: chr8-125044637-T-C. GRCh37 (hg19) VCF-style: chr8-126056879-T-C.
Other names: c.2122A>G, p.Thr708Ala (NM_001330609.2); short protein forms T708A, T856A.
Identifiers: ClinVar variation 1706212 (VCV001706212.5), dbSNP rs997694272, ClinGen allele CA185294142.
Genomic context (GRCh38, chr8:125,044,637, plus strand): 5'-AGCCATTTAGACCAAAGGTTCCCAAGGTGGTCTGGATTTCTGAGAAGAGGCGGCTGCTGG[T>C]CACTTCCTGATGAGTTTTCATATCATACCAAGTGTTCAGCTGGTCTATGTGACATGTCAT-3'
Protein context (NP_055661.3, residues 846-866): WYDMKTHQEV[Thr856Ala]SSRLFSEIQT

ClinVar aggregate classification (germline): Uncertain significance. Review status: criteria provided, multiple submitters, no conflicts (2 of 4 stars). 2 submissions from 2 submitters: Uncertain significance (2). Last evaluated 2022-11-01.

Conditions:
Hereditary spastic paraplegia 8 (SPG8). Also called: SPASTIC PARAPLEGIA 8, AUTOSOMAL DOMINANT. Identifiers: Orphanet 100989, MedGen C1863704, MONDO:0011339, OMIM 603563.
Ritscher-Schinzel syndrome. Also called: CRANIOCEREBELLOCARDIAC DYSPLASIA. Identifiers: Orphanet 7, MedGen C0796137, MONDO:0019078.

Allele frequency attached by ClinVar (database versions not stated): gnomAD 0.00003; gnomAD exomes below 0.00001; TOPMed 0.00003.
gnomAD v4.1: 6 of 1,613,998 alleles (0.00037%); highest among the groups gnomAD compares: African/African-American, 0.008%; no homozygotes.

Submissions (2):

Labcorp Genetics (formerly Invitae), Labcorp
Classification: Uncertain significance for Ritscher-Schinzel syndrome; Hereditary spastic paraplegia 8. Last evaluated: 2022-11-01. Review status: criteria provided, single submitter. Criteria: Invitae Variant Classification Sherloc (09022015). Collection method: clinical testing. Allele origin: germline.
Comment: This sequence change replaces threonine, which is neutral and polar, with alanine, which is neutral and non-polar, at codon 856 of the WASHC5 protein (p.Thr856Ala). This variant is present in population databases (no rsID available, gnomAD 0.06%). This variant has not been reported in the literature in individuals affected with WASHC5-related conditions. ClinVar contains an entry for this variant (Variation ID: 1706212). Advanced modeling of protein sequence and biophysical properties (such as structural, functional, and spatial information, amino acid conservation, physicochemical variation, residue mobility, and thermodynamic stability) performed at Invitae indicates that this missense variant is not expected to disrupt WASHC5 protein function. In summary, the available evidence is currently insufficient to determine the role of this variant in disease. Therefore, it has been classified as a Variant of Uncertain Significance.

GeneDx
Classification: Uncertain significance. Last evaluated: 2022-03-16. Review status: criteria provided, single submitter. Criteria: GeneDx Variant Classification Process June 2021. Collection method: clinical testing. Allele origin: germline. Affected: yes.
Comment: In silico analysis supports that this missense variant does not alter protein structure/function; Has not been previously published as pathogenic or benign to our knowledge; This variant is associated with the following publications: (PMID: 20833645)